The following is an entry in ClinVar:

NM_000054.7(AVPR2):c.424del (p.Cys142fs)

Gene: AVPR2 (arginine vasopressin receptor 2; plus strand). Cytogenetic location: Xq28.
Variant type: Deletion.
Coding change: c.424del on transcript NM_000054.7 (MANE Select); coding-DNA position 424, one base deleted (T; older notation c.424delT).
Protein change: p.Cys142fs; shifts the reading frame from cysteine 142.
Molecular consequence: frameshift variant.
Genome position (GRCh38, 1-based): chrX:153,905,930, T deleted. VCF-style (leftmost placement, unchanged base first): chrX-153905929-CT-C. GRCh37 (hg19) VCF-style: chrX-153171383-CT-C.
Other names: c.424del, p.Cys142fs (NM_001146151.3); short protein forms C142fs.
Identifiers: ClinVar variation 35740 (VCV000035740.3), dbSNP rs193922114, ClinGen allele CA260163.

ClinVar aggregate classification (germline): Likely pathogenic (1 of 4 stars; one submission).

Conditions:
Nephrogenic diabetes insipidus. Identifiers: Orphanet 223, MedGen C0162283, MONDO:0016383, HP:0009806.

Submission:

Women's Health and Genetics/Laboratory Corporation of America, LabCorp
Classification: Likely pathogenic for Nephrogenic Diabetes Insipidus. Last evaluated: 2011-08-18. Review status: criteria provided, single submitter. Criteria: LabCorp Variant Classification Summary - May 2015. Collection method: curation, clinical testing. Allele origin: germline. Inheritance: Xlinked unknown. Affected: yes.
ClinVar note: Converted during submission from likely pathogenic to Likely pathogenic.